The following is an entry in ClinVar:

ClinVar aggregate classification (germline): Likely benign. Review status: criteria provided, multiple submitters, no conflicts (2 of 4 stars). 2 submissions from 2 submitters: Likely benign (2). Last evaluated 2024-11-11.

Conditions:
Developmental and epileptic encephalopathy, 42 (DEE42A). Also called: EPILEPTIC ENCEPHALOPATHY, EARLY INFANTILE, 42A; Epileptic encephalopathy, early infantile, 42; DEVELOPMENTAL AND EPILEPTIC ENCEPHALOPATHY 42A. Identifiers: MedGen C4310716, MONDO:0014917, OMIM 617106.
Episodic ataxia type 2 (EA2). Also called: ATAXIA, EPISODIC, WITH NYSTAGMUS; ATAXIA, FAMILIAL PAROXYSMAL; CEREBELLAR ATAXIA, PAROXYSMAL, ACETAZOLAMIDE-RESPONSIVE; CEREBELLOPATHY, HEREDITARY PAROXYSMAL; EPISODIC ATAXIA, NYSTAGMUS-ASSOCIATED; ACETAZOLAMIDE-RESPONSIVE HEREDITARY PAROXYSMAL CEREBELLAR ATAXIA. Identifiers: Orphanet 97, MedGen C1720416, MONDO:0007163, OMIM 108500.

Allele frequency attached by ClinVar (database versions not stated): gnomAD exomes 0.00001; TOPMed 0.00001.
gnomAD v4.1: 9 of 1,613,864 alleles (0.00056%); highest among the groups gnomAD compares: Non-Finnish European, 0.00076%; no homozygotes.

Submissions (2):

Labcorp Genetics (formerly Invitae), Labcorp
Classification: Likely benign for Developmental and epileptic encephalopathy, 42; Episodic ataxia type 2. Last evaluated: 2024-11-11. Review status: criteria provided, single submitter. Criteria: Invitae Variant Classification Sherloc (09022015). Collection method: clinical testing. Allele origin: germline.

CeGaT Center for Human Genetics Tuebingen
Classification: Likely benign. Last evaluated: 2024-06-01. Review status: criteria provided, single submitter. Criteria: CeGaT Center For Human Genetics Tuebingen Variant Classification Criteria Version 2. Collection method: clinical testing. Allele origin: germline. Affected: yes. Observed: 1 variant allele.
Comment: CACNA1A: PM2:Supporting, BP4, BP7

NM_001127222.2(CACNA1A):c.3591A>G (p.Lys1197=)

Gene: CACNA1A (calcium voltage-gated channel subunit alpha1 A; minus strand). Cytogenetic location: 19p13.13.
Variant type: single nucleotide variant.
Coding change: c.3591A>G on transcript NM_001127222.2 (MANE Select); coding-DNA position 3591, A replaced by G.
Protein change: p.Lys1197=; no amino-acid change (lysine 1197 retained).
Molecular consequence: synonymous variant.
Genome position (GRCh38, 1-based): chr19:13,285,169, T>C on the plus strand (A>G on the coding strand, the complement: CACNA1A is on the minus strand). VCF-style: chr19-13285169-T-C. GRCh37 (hg19) VCF-style: chr19-13395983-T-C.
Other names: c.3603A>G, p.Lys1201= (NM_000068.4, NM_023035.3); c.3594A>G, p.Lys1198= (NM_001127221.2, NM_001174080.2).
Identifiers: ClinVar variation 1988932 (VCV001988932.22), dbSNP rs1004750542, ClinGen allele CA305563247.